The following is an entry in ClinVar:

NM_001035.3(RYR2):c.2930A>T (p.Lys977Met)

Gene: RYR2 (ryanodine receptor 2; plus strand). Cytogenetic location: 1q43.
Variant type: single nucleotide variant.
Coding change: c.2930A>T on transcript NM_001035.3 (MANE Select); coding-DNA position 2930, A replaced by T.
Protein change: p.Lys977Met; replaces lysine 977 with methionine.
Molecular consequence: missense variant.
Genome position (GRCh38, 1-based): chr1:237,548,454, A>T. VCF-style: chr1-237548454-A-T. GRCh37 (hg19) VCF-style: chr1-237711754-A-T.
Other names: short protein forms K977M.
Identifiers: ClinVar variation 875150 (VCV000875150.16), dbSNP rs1670046069, ClinGen allele CA345393470.

ClinVar aggregate classification (germline): Uncertain significance. Review status: criteria provided, multiple submitters, no conflicts (2 of 4 stars). 5 submissions from 4 submitters: Uncertain significance (5). Last evaluated 2024-05-30.

Conditions:
Catecholaminergic polymorphic ventricular tachycardia (CVPT). Also called: Catecholamine-induced polymorphic ventricular tachycardia. Identifiers: Orphanet 3286, MedGen C5574922, MONDO:0017990.
Arrhythmogenic right ventricular dysplasia 2. Identifiers: MedGen C1832931.
Catecholaminergic polymorphic ventricular tachycardia 1. Also called: RYR2-Related Catecholaminergic Polymorphic Ventricular Tachycardia; VENTRICULAR TACHYCARDIA, CATECHOLAMINERGIC POLYMORPHIC, 1, WITH OR WITHOUT ATRIAL DYSFUNCTION AND/OR DILATED CARDIOMYOPATHY; VENTRICULAR TACHYCARDIA, STRESS-INDUCED POLYMORPHIC 1. Identifiers: Orphanet 3286, MedGen C1631597, MONDO:0011484, OMIM 604772.

gnomAD v4.1: 2 of 1,613,976 alleles (0.00012%); highest among the groups gnomAD compares: Non-Finnish European, 0.00017%; no homozygotes.

Submissions (5):

All of Us Research Program, National Institutes of Health
Classification: Uncertain significance for Catecholaminergic polymorphic ventricular tachycardia. Last evaluated: 2024-05-30. Review status: criteria provided, single submitter. Criteria: ACMG Guidelines, 2015. Collection method: clinical testing. Allele origin: germline. Inheritance: Autosomal dominant inheritance. Observed: 2 variant alleles, 2 heterozygotes.
Comment: This missense variant replaces lysine with methionine at codon 977 of the RYR2 protein. Computational prediction suggests that this variant may have deleterious impact on protein structure and function (internally defined REVEL score threshold >= 0.7, PMID: 27666373). To our knowledge, functional studies have not been reported for this variant. This variant has not been reported in individuals affected with RYR2-related disorders in the literature. This variant has not been identified in the general population by the Genome Aggregation Database (gnomAD). The available evidence is insufficient to determine the role of this variant in disease conclusively. Therefore, this variant is classified as a Variant of Uncertain Significance.

This study involves interpretation of variants in research participants for the purpose of population health screening. Participant phenotype was not available at the time of variant classification. Additional details can be found in publication PMID: 35346344, PMCID: PMC8962531

Labcorp Genetics (formerly Invitae), Labcorp
Classification: Uncertain significance for Catecholaminergic polymorphic ventricular tachycardia 1. Last evaluated: 2021-10-28. Review status: criteria provided, single submitter. Criteria: Invitae Variant Classification Sherloc (09022015). Collection method: clinical testing. Allele origin: germline.
Comment: This variant has not been reported in the literature in individuals affected with RYR2-related conditions. In summary, the available evidence is currently insufficient to determine the role of this variant in disease. Therefore, it has been classified as a Variant of Uncertain Significance. Advanced modeling of protein sequence and biophysical properties (such as structural, functional, and spatial information, amino acid conservation, physicochemical variation, residue mobility, and thermodynamic stability) performed at Invitae indicates that this missense variant is expected to disrupt RYR2 protein function. ClinVar contains an entry for this variant (Variation ID: 875150). This variant is not present in population databases (gnomAD no frequency). This sequence change replaces lysine, which is basic and polar, with methionine, which is neutral and non-polar, at codon 977 of the RYR2 protein (p.Lys977Met).

Mayo Clinic Laboratories, Mayo Clinic
Classification: Uncertain significance. Last evaluated: 2019-12-27. Review status: criteria provided, single submitter. Criteria: ACMG Guidelines, 2015. Collection method: clinical testing. Allele origin: germline. Observed: 1 variant allele.

Illumina Laboratory Services, Illumina
Classification: Uncertain significance for Catecholaminergic polymorphic ventricular tachycardia 1. Last evaluated: 2018-01-13. Review status: criteria provided, single submitter. Criteria: ICSL Variant Classification Criteria 13 December 2019. Collection method: clinical testing. Allele origin: germline.

Illumina Laboratory Services, Illumina
Classification: Uncertain significance for Catecholaminergic polymorphic ventricular tachycardia 1. Last evaluated: 2018-01-13. Review status: criteria provided, single submitter. Criteria: ICSL Variant Classification Criteria 13 December 2019. Collection method: clinical testing. Allele origin: germline.